The following is an entry in ClinVar:

ClinVar aggregate classification (germline): Likely benign. Review status: criteria provided, multiple submitters, no conflicts (2 of 4 stars). 4 submissions from 4 submitters: Likely benign (4). Last evaluated 2025-09-01.

Conditions:
Familial thoracic aortic aneurysm and aortic dissection (TAAD). Also called: Thoracic aortic aneurysms and dissections. Identifiers: Orphanet 91387, MedGen C4707243, MONDO:0019625.
Aortic aneurysm, familial thoracic 4 (AAT4). Also called: AORTIC ANEURYSM/AORTIC DISSECTION AND PATENT DUCTUS ARTERIOSUS. Identifiers: MedGen C1851504, MONDO:0007568, OMIM 132900.

Allele frequency attached by ClinVar (database versions not stated): TOPMed 0.00001.
gnomAD v4.1: 5 of 1,610,160 alleles (0.00031%); highest among the groups gnomAD compares: Non-Finnish European, 0.00042%; no homozygotes.

Submissions (4):

Labcorp Genetics (formerly Invitae), Labcorp
Classification: Likely benign for Aortic aneurysm, familial thoracic 4. Last evaluated: 2025-09-01. Review status: criteria provided, single submitter. Criteria: Invitae Variant Classification Sherloc (09022015). Collection method: clinical testing. Allele origin: germline.

All of Us Research Program, National Institutes of Health
Classification: Likely benign for Familial thoracic aortic aneurysm and aortic dissection. Last evaluated: 2023-10-27. Review status: criteria provided, single submitter. Criteria: ACMG Guidelines, 2015. Collection method: clinical testing. Allele origin: germline. Inheritance: Autosomal dominant inheritance. Observed: 4 variant alleles, 4 heterozygotes.
Comment: This study involves interpretation of variants in research participants for the purpose of population health screening. Participant phenotype was not available at the time of variant classification. Additional details can be found in publication PMID: 35346344, PMCID: PMC8962531

Color Diagnostics, LLC DBA Color Health
Classification: Likely benign for Familial thoracic aortic aneurysm and aortic dissection. Last evaluated: 2022-09-20. Review status: criteria provided, single submitter. Criteria: ACMG Guidelines, 2015. Collection method: clinical testing. Allele origin: germline.

GeneDx
Classification: Likely benign. Last evaluated: 2018-05-14. Review status: criteria provided, single submitter. Criteria: GeneDx Variant Classification Process June 2021. Collection method: clinical testing. Allele origin: germline. Affected: yes.

NM_001040113.2(MYH11):c.5817C>A (p.Pro1939=)

Genes: MYH11 (myosin heavy chain 11; minus strand), NDE1 (nudE neurodevelopment protein 1; plus strand). Cytogenetic location: 16p13.11.
Variant type: single nucleotide variant.
Coding change: c.5817C>A on transcript NM_001040113.2 (MANE Plus Clinical); coding-DNA position 5817, C replaced by A.
Protein change: p.Pro1939=; no amino-acid change (proline 1939 retained).
Molecular consequence: synonymous variant. On other transcripts: intron variant (4).
Genome position (GRCh38, 1-based): chr16:15,708,832, G>T on the plus strand (C>A on the coding strand, the complement: MYH11 is on the minus strand). VCF-style: chr16-15708832-G-T. GRCh37 (hg19) VCF-style: chr16-15802689-G-T.
Other names: c.5796C>A, p.Pro1932= (NM_022844.3); c.947+11972G>T (NM_001143979.2, NM_017668.3); c.5787-4709C>A (NM_002474.3); c.5808-4709C>A (NM_001040114.2).
Identifiers: ClinVar variation 392444 (VCV000392444.17), dbSNP rs1057524493, ClinGen allele CA16606884.